The following is an entry in ClinVar:

ClinVar aggregate classification (germline): Likely benign. Review status: criteria provided, multiple submitters, no conflicts (2 of 4 stars). 5 submissions from 5 submitters: Likely benign (5). Last evaluated 2025-11-18.

Conditions:
ANK2-related disorder. Also called: ANK2-related condition.
Cardiovascular phenotype. Identifiers: MedGen CN230736.
Long QT syndrome (LQTS). Identifiers: MedGen C0023976, MeSH D008133, MONDO:0002442. Disease mechanism: loss of function. Inheritance: Various modes of inheritance.

Allele frequency attached by ClinVar (database versions not stated): gnomAD exomes 0.00002 and 0.00005; ExAC 0.00004; 1000 Genomes Project 30x 0.00016; gnomAD 0.00016; 1000 Genomes Project 0.00020; TOPMed 0.00027.
gnomAD v4.1: 58 of 1,613,960 alleles (0.0036%); highest among the groups gnomAD compares: Admixed American, 0.043%; 1 homozygote.

Submissions (5):

Labcorp Genetics (formerly Invitae), Labcorp
Classification: Likely benign for Long QT syndrome. Last evaluated: 2025-11-18. Review status: criteria provided, single submitter. Criteria: Invitae Variant Classification Sherloc (09022015). Collection method: clinical testing. Allele origin: germline.

CeGaT Center for Human Genetics Tuebingen
Classification: Likely benign. Last evaluated: 2025-05-01. Review status: criteria provided, single submitter. Criteria: CeGaT Center For Human Genetics Tuebingen Variant Classification Criteria Version 2. Collection method: clinical testing. Allele origin: germline. Affected: yes. Observed: 1 variant allele.
Comment: ANK2: BP4, BP7

PreventionGenetics, part of Exact Sciences
Classification: Likely benign for ANK2-related condition. Last evaluated: 2024-10-28. Review status: criteria provided, single submitter. Criteria: ACMG Guidelines, 2015. Collection method: clinical testing. Allele origin: germline.
Comment: This variant is classified as likely benign based on ACMG/AMP sequence variant interpretation guidelines (Richards et al. 2015 PMID: 25741868, with internal and published modifications).

Ambry Genetics
Classification: Likely benign for Cardiovascular phenotype. Last evaluated: 2018-06-25. Review status: criteria provided, single submitter. Criteria: Ambry Variant Classification Scheme 2023. Collection method: clinical testing. Allele origin: germline.

GeneDx
Classification: Likely benign. Last evaluated: 2016-11-25. Review status: criteria provided, single submitter. Criteria: GeneDx Variant Classification (06012015). Collection method: clinical testing. Allele origin: germline. Affected: yes.
Comment: This variant is considered likely benign or benign based on one or more of the following criteria: it is a conservative change, it occurs at a poorly conserved position in the protein, it is predicted to be benign by multiple in silico algorithms, and/or has population frequency not consistent with disease.

NM_001148.6(ANK2):c.4710C>T (p.Thr1570=)

Gene: ANK2 (ankyrin 2; plus strand). Cytogenetic location: 4q26.
Variant type: single nucleotide variant.
Coding change: c.4710C>T on transcript NM_001148.6 (MANE Select); coding-DNA position 4710, C replaced by T.
Protein change: p.Thr1570=; no amino-acid change (threonine 1570 retained).
Molecular consequence: synonymous variant. On other transcripts: intron variant (68).
Genome position (GRCh38, 1-based): chr4:113,353,328, C>T. VCF-style: chr4-113353328-C-T. GRCh37 (hg19) VCF-style: chr4-114274484-C-T.
Other names: c.4476C>T, p.Thr1492= (NM_001386142.1); c.1110C>T, p.Thr370= (NM_001386166.1); c.4851C>T, p.Thr1617= (NM_001386174.1); c.4827C>T, p.Thr1609= (NM_001386175.1); c.4411+3079C>T (NM_001386186.2, NM_001386148.2); c.4213+3079C>T (NM_001354269.3); c.4291+3079C>T (NM_001386187.2); c.4252+3079C>T (NM_001386147.1); and 35 more.
Identifiers: ClinVar variation 385119 (VCV000385119.24), dbSNP rs554486974, ClinGen allele CA3051135.